The following is an entry in ClinVar:

NC_000023.10:g.(?_32456338)_(32663289_?)del

Gene: DMD (dystrophin; minus strand). Cytogenetic location: Xp21.1.
Variant type: Deletion.
Identifiers: ClinVar variation 3243604 (VCV003243604.1).

ClinVar aggregate classification (germline): Pathogenic (1 of 4 stars; one submission).

Conditions:
Duchenne muscular dystrophy (DMD). Also called: MUSCULAR DYSTROPHY, PSEUDOHYPERTROPHIC PROGRESSIVE, DUCHENNE TYPE; Duchenne Muscular Dystrophy (DMD). Identifiers: Orphanet 98896, MedGen C0013264, MONDO:0010679, OMIM 310200.

Submission:

Labcorp Genetics (formerly Invitae), Labcorp
Classification: Pathogenic for Duchenne muscular dystrophy. Last evaluated: 2023-02-21. Review status: criteria provided, single submitter. Criteria: Invitae Variant Classification Sherloc (09022015). Collection method: clinical testing. Allele origin: unknown.
Comment: This variant is a gross deletion of the genomic region encompassing exon(s) 10-29 of the DMD gene. This variant would be expected to be in-frame, preserving the integrity of the reading frame. A similar copy number variant has been observed in individuals with dystrophinopathy (PMID: 20036901, 22776072). For these reasons, this variant has been classified as Pathogenic.

Literature cited by the submitters: PubMed 20036901; PubMed 22776072.